The following is an entry in ClinVar:

ClinVar aggregate classification (germline): Uncertain significance. Review status: criteria provided, multiple submitters, no conflicts (2 of 4 stars). 6 submissions from 5 submitters: Uncertain significance (6). Last evaluated 2025-05-22.

Conditions:
PDE6C-related disorder. Also called: PDE6C-related condition.
Achromatopsia. Also called: Rod monochromatism. Identifiers: Orphanet 49382, MedGen C0152200, MONDO:0018852, HP:0011516.
Cone dystrophy 4 (COD4). Identifiers: Orphanet 49382, MedGen C2751308, MONDO:0013129, OMIM 613093.
Inborn genetic diseases. Identifiers: MedGen C0950123, MeSH D030342.

Allele frequency attached by ClinVar (database versions not stated): gnomAD 0.00001; gnomAD exomes 0.00003; TOPMed 0.00004; ExAC 0.00005.
gnomAD v4.1: 116 of 1,614,164 alleles (0.0072%); highest among the groups gnomAD compares: East Asian, 0.016%; no homozygotes.

Submissions (6):

PreventionGenetics, part of Exact Sciences
Classification: Uncertain significance for PDE6C-related condition. Last evaluated: 2025-05-22. Review status: criteria provided, single submitter. Criteria: ACMG Guidelines, 2015. Collection method: clinical testing. Allele origin: germline.
Comment: The PDE6C c.316G>A variant is predicted to result in the amino acid substitution p.Gly106Ser. To our knowledge, this variant has not been reported in the literature. This variant is reported in 0.0054% of alleles in individuals of East Asian descent in gnomAD. At this time, the clinical significance of this variant is uncertain due to the absence of conclusive functional and genetic evidence.

Blueprint Genetics
Classification: Uncertain significance. Last evaluated: 2024-07-02. Review status: criteria provided, single submitter. Criteria: ACMG Guidelines, 2015. Collection method: clinical testing. Allele origin: germline.

Ambry Genetics
Classification: Uncertain significance for Inborn genetic diseases. Last evaluated: 2024-04-17. Review status: criteria provided, single submitter. Criteria: Ambry Variant Classification Scheme 2023. Collection method: clinical testing. Allele origin: germline.

Labcorp Genetics (formerly Invitae), Labcorp
Classification: Uncertain significance. Last evaluated: 2023-10-03. Review status: criteria provided, single submitter. Criteria: Invitae Variant Classification Sherloc (09022015). Collection method: clinical testing. Allele origin: germline.
Comment: This sequence change replaces glycine, which is neutral and non-polar, with serine, which is neutral and polar, at codon 106 of the PDE6C protein (p.Gly106Ser). This variant is present in population databases (rs201231586, gnomAD 0.005%). This variant has not been reported in the literature in individuals affected with PDE6C-related conditions. ClinVar contains an entry for this variant (Variation ID: 301618). Advanced modeling of protein sequence and biophysical properties (such as structural, functional, and spatial information, amino acid conservation, physicochemical variation, residue mobility, and thermodynamic stability) performed at Invitae indicates that this missense variant is not expected to disrupt PDE6C protein function. In summary, the available evidence is currently insufficient to determine the role of this variant in disease. Therefore, it has been classified as a Variant of Uncertain Significance.

Illumina Laboratory Services, Illumina
Classification: Uncertain significance for Cone dystrophy 4. Last evaluated: 2018-01-13. Review status: criteria provided, single submitter. Criteria: ICSL Variant Classification Criteria 13 December 2019. Collection method: clinical testing. Allele origin: germline.

Illumina Laboratory Services, Illumina
Classification: Uncertain significance for Achromatopsia. Last evaluated: 2018-01-13. Review status: criteria provided, single submitter. Criteria: ICSL Variant Classification Criteria 13 December 2019. Collection method: clinical testing. Allele origin: germline.

NM_006204.4(PDE6C):c.316G>A (p.Gly106Ser)

Gene: PDE6C (phosphodiesterase 6C; plus strand). Cytogenetic location: 10q23.33.
Variant type: single nucleotide variant.
Coding change: c.316G>A on transcript NM_006204.4 (MANE Select); coding-DNA position 316, G replaced by A.
Protein change: p.Gly106Ser; replaces glycine 106 with serine.
Molecular consequence: missense variant.
Genome position (GRCh38, 1-based): chr10:93,613,041, G>A. VCF-style: chr10-93613041-G-A. GRCh37 (hg19) VCF-style: chr10-95372798-G-A.
Other names: short protein forms G106S.
Identifiers: ClinVar variation 301618 (VCV000301618.12), dbSNP rs201231586, ClinGen allele CA5609810.
Genomic context (GRCh38, chr10:93,613,041, plus strand): 5'-AGGCTGGCCCACCTGCTCCAGGCTGACCGCTGCAGCATGTTCCTGTGCCGGTCCCGGAAC[G>A]GCATACCTGAGGTGGCCTCTAGGTTGCTGGATGTCACCCCCACCTCCAAGTTTGAGGACA-3'
Protein context (NP_006195.3, residues 96-116): CSMFLCRSRN[Gly106Ser]IPEVASRLLD